The following is an entry in ClinVar:

ClinVar aggregate classification (germline): Uncertain significance. Review status: criteria provided, multiple submitters, no conflicts (2 of 4 stars). 3 submissions from 3 submitters: Uncertain significance (3). Last evaluated 2025-04-17.

Conditions:
Hereditary cancer-predisposing syndrome. Also called: Neoplastic Syndromes, Hereditary; Tumor predisposition; Hereditary Cancer Syndrome; Hereditary neoplastic syndrome. Identifiers: Orphanet 140162, MedGen C0027672, MeSH D009386, MONDO:0015356.
Rhabdoid tumor predisposition syndrome 2 (RTPS2). Identifiers: Orphanet 231108, Orphanet 69077, MedGen C2750074, MONDO:0013224, OMIM 613325.

Submissions (3):

Labcorp Genetics (formerly Invitae), Labcorp
Classification: Uncertain significance for Rhabdoid tumor predisposition syndrome 2. Last evaluated: 2025-04-17. Review status: criteria provided, single submitter. Criteria: Invitae Variant Classification Sherloc (09022015). Collection method: clinical testing. Allele origin: germline.
Comment: This variant, c.1755_1760dup, results in the insertion of 2 amino acid(s) of the SMARCA4 protein (p.Lys587_Lys588dup), but otherwise preserves the integrity of the reading frame. This variant is not present in population databases (gnomAD no frequency). This variant has not been reported in the literature in individuals affected with SMARCA4-related conditions. ClinVar contains an entry for this variant (Variation ID: 820010). Experimental studies and prediction algorithms are not available or were not evaluated, and the functional significance of this variant is currently unknown. In summary, the available evidence is currently insufficient to determine the role of this variant in disease. Therefore, it has been classified as a Variant of Uncertain Significance.

Ambry Genetics
Classification: Uncertain significance for Hereditary cancer-predisposing syndrome. Last evaluated: 2024-02-16. Review status: criteria provided, single submitter. Criteria: Ambry Variant Classification Scheme 2023. Collection method: clinical testing. Allele origin: germline.
Comment: The c.1755_1760dupAAAGAA variant (also known as p.K587_K588dup), located in coding exon 9 of the SMARCA4 gene, results from an in-frame duplication of AAAGAA at nucleotide positions 1755 to 1760. This results in the duplication of 2 extra residues (KK) between codons 587 and 588. This amino acid region is well conserved in available vertebrate species. In addition, this alteration is predicted to be neutral by in silico analysis (Choi Y et al. PLoS ONE. 2012; 7(10):e46688). Based on the available evidence, the clinical significance of this alteration remains unclear.

GeneDx
Classification: Uncertain significance. Last evaluated: 2023-03-30. Review status: criteria provided, single submitter. Criteria: GeneDx Variant Classification Process June 2021. Collection method: clinical testing. Allele origin: germline. Affected: yes.
Comment: In-frame duplication of 2 amino acids in a non-repeat region; Has not been previously published as pathogenic or benign to our knowledge

NM_003072.5(SMARCA4):c.1749AAAGAA[3] (p.Lys587_Lys588dup)

Gene: SMARCA4 (SWI/SNF related BAF chromatin remodeling complex subunit ATPase 4; plus strand). Cytogenetic location: 19p13.2.
Variant type: Microsatellite.
Coding change: c.1749AAAGAA[3] on transcript NM_003072.5 (MANE Select); three copies in a row of the 6-base unit AAAGAA starting at c.1749; the reference has two copies in a row; one copy, 6 bases duplicated.
Protein change: p.Lys587_Lys588dup.
Molecular consequence: inframe insertion. On other transcripts: non-coding transcript variant (1).
Genome position (GRCh38, 1-based): chr19:10,996,374-10,996,379, AAAGAA duplicated; duplicating any 6 consecutive bases within chr19:10,996,363-10,996,379 gives the same sequence; the position shown is the placement nearest the transcript's 3' end. VCF-style (leftmost placement, unchanged base first): chr19-10996362-G-GAAGAAA. GRCh37 (hg19) VCF-style: chr19-11107038-G-GAAGAAA.
Other names: c.1755_1760dup (NM_001128849.1); c.1749AAAGAA[3], p.Lys587_Lys588dup (NM_001128844.3, NM_001128845.2, NM_001128846.2 and 5 more transcripts); c.1755_1760dupAAAGAA (NM_001128849.1).
Identifiers: ClinVar variation 820010 (VCV000820010.12), dbSNP rs1600082918, ClinGen allele CA915951658.
Genomic context (GRCh38, chr19:10,996,362, plus strand): 5'-GGCTAACCTCACGGAGCTGGTGCGGCAGCACAAGGCTGCCCAGGTCGCCAAGGAGAAAAA[G>GAAGAAA]AAGAAAAAGAAAAAGAAGGTGTGCTGGGCCTGGCATGGTGCCCGCCGCGGGTGGGATGGG-3'